The following is an entry in ClinVar:

NM_021830.5(TWNK):c.70C>T (p.Arg24Trp)

Gene: TWNK (twinkle mtDNA helicase; plus strand). Cytogenetic location: 10q24.31.
Variant type: single nucleotide variant.
Coding change: c.70C>T on transcript NM_021830.5 (MANE Select); coding-DNA position 70, C replaced by T.
Protein change: p.Arg24Trp; replaces arginine 24 with tryptophan.
Molecular consequence: missense variant. On other transcripts: non-coding transcript variant (4), intron variant (3).
Genome position (GRCh38, 1-based): chr10:100,988,280, C>T. VCF-style: chr10-100988280-C-T. GRCh37 (hg19) VCF-style: chr10-102748037-C-T.
Other names: c.70C>T, p.Arg24Trp (NM_001163812.2); c.-120+667C>T (NM_001163814.2, NM_001163813.2); c.-58+667C>T (NM_001368275.1); short protein forms R24W.
Identifiers: ClinVar variation 4766901 (VCV004766901.1).

ClinVar aggregate classification (germline): Uncertain significance (1 of 4 stars; one submission).

gnomAD v4.1: 6 of 1,613,120 alleles (0.00037%); highest among the groups gnomAD compares: South Asian, 0.0022%; no homozygotes.

Submission:

Labcorp Genetics (formerly Invitae), Labcorp
Classification: Uncertain significance. Last evaluated: 2026-01-12. Review status: criteria provided, single submitter. Criteria: Invitae Variant Classification Sherloc (09022015). Collection method: clinical testing. Allele origin: germline.
Comment: This sequence change replaces arginine, which is basic and polar, with tryptophan, which is neutral and slightly polar, at codon 24 of the TWNK protein (p.Arg24Trp). This variant is present in population databases (no rsID available, gnomAD 0.003%). This variant has not been reported in the literature in individuals affected with TWNK-related conditions. Invitae Evidence Modeling of protein sequence and biophysical properties (such as structural, functional, and spatial information, amino acid conservation, physicochemical variation, residue mobility, and thermodynamic stability) indicates that this missense variant is not expected to disrupt TWNK protein function with a negative predictive value of 95%. In summary, the available evidence is currently insufficient to determine the role of this variant in disease. Therefore, it has been classified as a Variant of Uncertain Significance.